The following is an entry in ClinVar:

ClinVar aggregate classification (germline): Benign/Likely benign. Review status: criteria provided, multiple submitters, no conflicts (2 of 4 stars). 3 submissions from 3 submitters: Benign (1); Likely benign (2). Last evaluated 2026-01-28.

Allele frequency attached by ClinVar (database versions not stated): gnomAD 0.00006 and 0.00015; gnomAD exomes 0.00009 and 0.00027; ExAC 0.00025; TOPMed 0.00033; 1000 Genomes Project 0.00120; 1000 Genomes Project 30x 0.00125.
gnomAD v4.1: 173 of 1,612,730 alleles (0.011%); highest among the groups gnomAD compares: East Asian, 0.23%; 2 homozygotes.

Submissions (3):

Labcorp Genetics (formerly Invitae), Labcorp
Classification: Benign. Last evaluated: 2026-01-28. Review status: criteria provided, single submitter. Criteria: Invitae Variant Classification Sherloc (09022015). Collection method: clinical testing. Allele origin: germline.

CeGaT Center for Human Genetics Tuebingen
Classification: Likely benign. Last evaluated: 2025-02-01. Review status: criteria provided, single submitter. Criteria: CeGaT Center For Human Genetics Tuebingen Variant Classification Criteria Version 2. Collection method: clinical testing. Allele origin: germline. Affected: yes. Observed: 1 variant allele.
Comment: MTHFD1: BP4, BP7

Blueprint Genetics
Classification: Likely benign. Last evaluated: 2024-11-11. Review status: criteria provided, single submitter. Criteria: ACMG Guidelines, 2015. Collection method: clinical testing. Allele origin: germline.

NM_005956.4(MTHFD1):c.492C>T (p.Ala164=)

Gene: MTHFD1 (methylenetetrahydrofolate dehydrogenase, cyclohydrolase and formyltetrahydrofolate synthetase 1; plus strand). Cytogenetic location: 14q23.3.
Variant type: single nucleotide variant.
Coding change: c.492C>T on transcript NM_005956.4 (MANE Select); coding-DNA position 492, C replaced by T.
Protein change: p.Ala164=; no amino-acid change (alanine 164 retained).
Molecular consequence: synonymous variant.
Genome position (GRCh38, 1-based): chr14:64,417,901, C>T. VCF-style: chr14-64417901-C-T. GRCh37 (hg19) VCF-style: chr14-64884619-C-T.
Other names: c.492C>T, p.Ala164= (NM_001364837.1).
Identifiers: ClinVar variation 736409 (VCV000736409.23), dbSNP rs183664858, ClinGen allele CA7225957.